The following is an entry in ClinVar:

ClinVar aggregate classification (germline): Benign/Likely benign. Review status: criteria provided, multiple submitters, no conflicts (2 of 4 stars). 7 submissions from 7 submitters: Benign (2); Likely benign (2). 3 of the submissions do not count toward it. Last evaluated 2026-09-01.

Conditions:
UNC80-related disorder. Also called: UNC80-related condition.

Allele frequency attached by ClinVar (database versions not stated): 1000 Genomes Project 0.00120; 1000 Genomes Project 30x 0.00125; ExAC 0.00319; gnomAD 0.00373 and 0.00381; TOPMed 0.00400; ESP Exome Variant Server 0.00591.
gnomAD v4.1: 9,034 of 1,551,590 alleles (0.58%); highest among the groups gnomAD compares: Non-Finnish European, 0.71%; 27 homozygotes.

Submissions (7):

CeGaT Center for Human Genetics Tuebingen
Classification: Likely benign. Last evaluated: 2026-09-01. Review status: criteria provided, single submitter. Criteria: CeGaT Center For Human Genetics Tuebingen Variant Classification Criteria Version 2. Collection method: clinical testing. Allele origin: germline. Affected: yes. Observed: 7 variant alleles.
Comment: UNC80: BP4, BP7, BS2

Labcorp Genetics (formerly Invitae), Labcorp
Classification: Benign. Last evaluated: 2026-02-03. Review status: criteria provided, single submitter. Criteria: Invitae Variant Classification Sherloc (09022015). Collection method: clinical testing. Allele origin: germline.

Blueprint Genetics
Classification: Likely benign. Last evaluated: 2024-11-21. Review status: criteria provided, single submitter. Criteria: ACMG Guidelines, 2015. Collection method: clinical testing. Allele origin: germline.

Breakthrough Genomics
Classification: Benign. Review status: criteria provided, single submitter. Criteria: ACMG Guidelines, 2015. Collection method: not provided. Allele origin: germline. Inheritance: Autosomal recessive inheritance. Affected: yes.

PreventionGenetics, part of Exact Sciences
Classification: Likely benign for UNC80-related condition. Last evaluated: 2022-11-17. Review status: no assertion criteria provided. Collection method: clinical testing. Allele origin: germline. Not counted in ClinVar's aggregate classification.
Comment: This variant is classified as likely benign based on ACMG/AMP sequence variant interpretation guidelines (Richards et al. 2015 PMID: 25741868, with internal and published modifications).

Clinical Genetics DNA and cytogenetics Diagnostics Lab, Erasmus MC, Erasmus Medical Center
Classification: Likely benign. Review status: no assertion criteria provided. Collection method: clinical testing. Allele origin: germline. Affected: yes. Study: VKGL Data-share Consensus. Not counted in ClinVar's aggregate classification.

Laboratory of Diagnostic Genome Analysis, Leiden University Medical Center (LUMC)
Classification: Likely benign. Review status: no assertion criteria provided. Collection method: clinical testing. Allele origin: germline. Affected: yes. Study: VKGL Data-share Consensus. Not counted in ClinVar's aggregate classification.

NM_001371986.1(UNC80):c.1620C>G (p.Ser540=)

Gene: UNC80 (unc-80 subunit of NALCN channel complex; plus strand). Cytogenetic location: 2q34.
Variant type: single nucleotide variant.
Coding change: c.1620C>G on transcript NM_001371986.1 (MANE Select); coding-DNA position 1620, C replaced by G.
Protein change: p.Ser540=; no amino-acid change (serine 540 retained).
Molecular consequence: synonymous variant.
Genome position (GRCh38, 1-based): chr2:209,817,879, C>G. VCF-style: chr2-209817879-C-G. GRCh37 (hg19) VCF-style: chr2-210682603-C-G.
Other names: c.1620C>G, p.Ser540= (NM_032504.2, NM_182587.4).
Identifiers: ClinVar variation 788480 (VCV000788480.38), dbSNP rs182186415, ClinGen allele CA2082953.